The following is an entry in ClinVar:

ClinVar aggregate classification (germline): Conflicting classifications of pathogenicity. Review status: criteria provided, conflicting classifications (1 of 4 stars). 2 submissions from 2 submitters: Likely pathogenic (1); Uncertain significance (1). Last evaluated 2023-06-21.

Conditions:
Young-onset Parkinson disease. Identifiers: Orphanet 2828, MedGen C4275179, MONDO:0017279.

gnomAD v4.1: 4 of 1,613,180 alleles (0.00025%); highest among the groups gnomAD compares: Non-Finnish European, 0.00034%; no homozygotes.

Submissions (2):

GeneDx
Classification: Uncertain significance. Last evaluated: 2023-06-21. Review status: criteria provided, single submitter. Criteria: GeneDx Variant Classification Process June 2021. Collection method: clinical testing. Allele origin: germline. Affected: yes.
Comment: Not observed at significant frequency in large population cohorts (gnomAD); In silico analysis supports that this missense variant has a deleterious effect on protein structure/function; Has not been previously published as pathogenic or benign to our knowledge

Department of Traditional Chinese Medicine, Fujian Provincial Hospital
Classification: Likely pathogenic for Young-onset Parkinson disease. Review status: criteria provided, single submitter. Criteria: ACMG Guidelines, 2015. Collection method: research. Allele origin: inherited. Affected: yes.
Comment: Genetic testing identified a heterozygous missense variant in the CACNA1G gene: c.4501G>A (p.Val1501Met). ACMG Classification and Pathogenicity: The variant is absent from population databases (PM2_Supporting) and is predicted to be deleterious by multiple bioinformatics tools (PP3). Pedigree analysis confirmed this as a de novo mutation (PS2). Consequently, the pathogenicity was upgraded to "Likely Pathogenic". While CACNA1G mutations typically cause Spinocerebellar Ataxia Type 42 (SCA42), recent studies indicate that some patients may present with tremors, pyramidal signs, or Parkinsonian syndrome as prominent features (PMID: 26115944, 37021735).

Literature cited by the submitters: PubMed 26115944 (cited by Department of Traditional Chinese Medicine, Fujian Provincial Hospital); PubMed 37021735 (cited by Department of Traditional Chinese Medicine, Fujian Provincial Hospital).

NM_018896.5(CACNA1G):c.4501G>A (p.Val1501Met)

Gene: CACNA1G (calcium voltage-gated channel subunit alpha1 G; plus strand). Cytogenetic location: 17q21.33.
Variant type: single nucleotide variant.
Coding change: c.4501G>A on transcript NM_018896.5 (MANE Select); coding-DNA position 4501, G replaced by A.
Protein change: p.Val1501Met; replaces valine 1501 with methionine.
Molecular consequence: missense variant. On other transcripts: non-coding transcript variant (5).
Genome position (GRCh38, 1-based): chr17:50,606,978, G>A. VCF-style: chr17-50606978-G-A. GRCh37 (hg19) VCF-style: chr17-48684339-G-A.
Other names: c.4501G>A, p.Val1501Met (NM_001256324.2, NM_001256325.2, NM_001256326.2 and 16 more transcripts); c.4432G>A, p.Val1478Met (NM_001256332.2, NM_198376.3, NM_198379.3 and 5 more transcripts); short protein forms V1478M, V1501M.
Identifiers: ClinVar variation 3360120 (VCV003360120.2).